The following is an entry in ClinVar:

NM_152296.5(ATP1A3):c.1089del (p.Cys364fs)

Gene: ATP1A3 (ATPase Na+/K+ transporting subunit alpha 3; minus strand). Cytogenetic location: 19q13.2.
Variant type: Deletion.
Coding change: c.1089del on transcript NM_152296.5 (MANE Select); coding-DNA position 1089, one base deleted (C; older notation c.1089delC).
Protein change: p.Cys364fs; shifts the reading frame from cysteine 364.
Molecular consequence: frameshift variant.
Genome position (GRCh38, 1-based): chr19:41,982,011, G deleted on the plus strand (C on the coding strand, the reverse complement: ATP1A3 is on the minus strand). VCF-style (leftmost placement, unchanged base first): chr19-41982010-AG-A. GRCh37 (hg19) VCF-style: chr19-42486162-AG-A.
Other names: c.1122del, p.Cys375fs (NM_001256213.2); c.1128del, p.Cys377fs (NM_001256214.2); short protein forms C364fs, C377fs, C375fs.
Identifiers: ClinVar variation 3728908 (VCV003728908.2).
Genomic context (GRCh38, chr19:41,982,010, plus strand): 5'-CAAACCACATGTGGGCGACTGTCATGCGGTTCTGAGTGAGGGTCCCTGTCTTATCTGAGC[AG>A]ATGGTGGACGTGGAGCCCAGGGTTTCTACAGCCTCCAGGTTCTTCACCAGGCAGTTCTTC-3'

ClinVar aggregate classification (germline): Pathogenic (1 of 4 stars; one submission).

Conditions:
Dystonia 12 (DYT12). Also called: DYT-ATP1A3; Rapid-Onset Dystonia-Parkinsonism (RDP). Identifiers: Orphanet 71517, MedGen C1868681, MONDO:0007496, OMIM 128235.

Submission:

Labcorp Genetics (formerly Invitae), Labcorp
Classification: Pathogenic for Dystonia 12. Last evaluated: 2025-01-13. Review status: criteria provided, single submitter. Criteria: Invitae Variant Classification Sherloc (09022015). Collection method: clinical testing. Allele origin: germline.
Comment: This sequence change creates a premature translational stop signal (p.Cys364Alafs*13) in the ATP1A3 gene. It is expected to result in an absent or disrupted protein product. Loss-of-function variants in ATP1A3 are known to be pathogenic (PMID: 24631656, 24983657). This variant is not present in population databases (gnomAD no frequency). This variant has not been reported in the literature in individuals affected with ATP1A3-related conditions. For these reasons, this variant has been classified as Pathogenic.

Literature cited by the submitters: PubMed 24631656; PubMed 24983657.